The following is an entry in ClinVar:

ClinVar aggregate classification (germline): Pathogenic/Likely pathogenic. Review status: criteria provided, multiple submitters, no conflicts (2 of 4 stars). 2 submissions from 2 submitters: Pathogenic (1); Likely pathogenic (1). Last evaluated 2023-10-11.

Conditions:
Osteogenesis imperfecta type I (OI1). Also called: Lobstein's Disease; OI, TYPE I; OSTEOGENESIS IMPERFECTA TARDA; OSTEOGENESIS IMPERFECTA WITH BLUE SCLERAE; Osteogenesis imperfecta type 1; Lobstein disease. Identifiers: Orphanet 216796, Orphanet 666, MedGen C0023931, MONDO:0008146, OMIM 166200. Disease mechanism: loss of function.
Ehlers-Danlos syndrome, classic type, 1 (EDSCL1). Also called: Ehlers-Danlos syndrome, type 1; EDS I; EHLERS-DANLOS SYNDROME, GRAVIS TYPE; EHLERS-DANLOS SYNDROME, SEVERE CLASSIC TYPE; Ehlers-Danlos Syndrome, Classic Type, COL5A1-Related. Identifiers: MedGen C0268335, MONDO:0019567, OMIM 130000.
COL1A2-related disorder. Also called: COL1A2-Related Disorders; COL1A2-related condition.

Submissions (2):

Labcorp Genetics (formerly Invitae), Labcorp
Classification: Pathogenic for Osteogenesis imperfecta type I; Ehlers-Danlos syndrome, classic type, 1. Last evaluated: 2023-10-11. Review status: criteria provided, single submitter. Criteria: Invitae Variant Classification Sherloc (09022015). Collection method: clinical testing. Allele origin: germline.
Comment: This sequence change replaces glycine, which is neutral and non-polar, with valine, which is neutral and non-polar, at codon 337 of the COL1A2 protein (p.Gly337Val). This variant is not present in population databases (gnomAD no frequency). This missense change has been observed in individual(s) with osteogenesis imperfecta (Invitae). In at least one individual the variant was observed to be de novo. ClinVar contains an entry for this variant (Variation ID: 2047849). Advanced modeling of protein sequence and biophysical properties (such as structural, functional, and spatial information, amino acid conservation, physicochemical variation, residue mobility, and thermodynamic stability) performed at Invitae indicates that this missense variant is expected to disrupt COL1A2 protein function. This variant disrupts the triple helix domain of COL1A2. Glycine residues within the Gly-Xaa-Yaa repeats of the triple helix domain are required for the structure and stability of fibrillar collagens (PMID: 7695699, 8218237, 19344236). In COL1A2, variants affecting these glycine residues are significantly enriched in individuals with disease (PMID: 9016532, 17078022) compared to the general population (ExAC). For these reasons, this variant has been classified as Pathogenic.

Blueprint Genetics
Classification: Likely pathogenic for COL1A2-related disorders. Last evaluated: 2021-11-30. Review status: criteria provided, single submitter. Criteria: ACMG Guidelines, 2015. Collection method: clinical testing. Allele origin: germline. Affected: yes. Observed: 1 variant allele.

Literature cited by the submitters: PubMed 7695699 (cited by Labcorp Genetics (formerly Invitae), Labcorp); PubMed 8218237 (cited by Labcorp Genetics (formerly Invitae), Labcorp); PubMed 19344236 (cited by Labcorp Genetics (formerly Invitae), Labcorp); PubMed 9016532 (cited by Labcorp Genetics (formerly Invitae), Labcorp); PubMed 17078022 (cited by Labcorp Genetics (formerly Invitae), Labcorp).

NM_000089.4(COL1A2):c.1010G>T (p.Gly337Val)

Gene: COL1A2 (collagen type I alpha 2 chain; plus strand). Cytogenetic location: 7q21.3.
Variant type: single nucleotide variant.
Coding change: c.1010G>T on transcript NM_000089.4 (MANE Select); coding-DNA position 1010, G replaced by T.
Protein change: p.Gly337Val; replaces glycine 337 with valine.
Molecular consequence: missense variant.
Genome position (GRCh38, 1-based): chr7:94,409,796, G>T. VCF-style: chr7-94409796-G-T. GRCh37 (hg19) VCF-style: chr7-94039108-G-T.
Other names: short protein forms G337V.
Identifiers: ClinVar variation 2047849 (VCV002047849.5), dbSNP rs2115894285, ClinGen allele CA368220963.